The following is an entry in ClinVar:

ClinVar aggregate classification (germline): Uncertain significance (1 of 4 stars; one submission).

Conditions:
Hereditary cancer-predisposing syndrome. Also called: Hereditary neoplastic syndrome; Neoplastic Syndromes, Hereditary; Tumor predisposition; Hereditary Cancer Syndrome. Identifiers: Orphanet 140162, MedGen C0027672, MeSH D009386, MONDO:0015356.

Submission:

Ambry Genetics
Classification: Uncertain significance for Hereditary cancer-predisposing syndrome. Last evaluated: 2025-08-27. Review status: criteria provided, single submitter. Criteria: Ambry Variant Classification Scheme 2023. Collection method: clinical testing. Allele origin: germline.
Comment: The p.T158K variant (also known as c.473C>A), located in coding exon 6 of the MUTYH gene, results from a C to A substitution at nucleotide position 473. The threonine at codon 158 is replaced by lysine, an amino acid with similar properties. This amino acid position is conserved. In addition, this alteration is predicted to be deleterious by in silico analysis. Based on the available evidence, the clinical significance of this variant remains unclear.

NM_001048174.2(MUTYH):c.389C>A (p.Thr130Lys)

Gene: MUTYH (mutY DNA glycosylase; minus strand). Cytogenetic location: 1p34.1.
Variant type: single nucleotide variant.
Coding change: c.389C>A on transcript NM_001048174.2 (MANE Select); coding-DNA position 389, C replaced by A.
Protein change: p.Thr130Lys; replaces threonine 130 with lysine.
Molecular consequence: missense variant. On other transcripts: non-coding transcript variant (6), intron variant (4).
Genome position (GRCh38, 1-based): chr1:45,332,949, G>T on the plus strand (C>A on the coding strand, the complement: MUTYH is on the minus strand). VCF-style: chr1-45332949-G-T. GRCh37 (hg19) VCF-style: chr1-45798621-G-T.
Other names: c.389C>A, p.Thr130Lys (NM_001407070.1, NM_001407072.1, NM_001407081.1 and 5 more transcripts); c.44C>A, p.Thr15Lys (NM_001350650.2, NM_001350651.2, NM_001407082.1); c.392C>A, p.Thr131Lys (NM_001407071.1, NM_001407078.1, NM_001407086.1 and 1 more transcripts); c.305C>A, p.Thr102Lys (NM_001407075.1); c.422C>A, p.Thr141Lys (NM_001407077.1, NM_001293191.2); c.431C>A, p.Thr144Lys (NM_001407083.1, NM_001407085.1); c.410C>A, p.Thr137Lys (NM_001407087.1); c.113C>A, p.Thr38Lys (NM_001407091.1, NM_001293192.2, NM_001293196.2); and 7 more; short protein forms T131K, T144K, T145K, T158K, T15K, T130K, T102K, T137K.
Identifiers: ClinVar variation 4113677 (VCV004113677.1).